The following is an entry in ClinVar:

ClinVar aggregate classification (germline): Pathogenic (1 of 4 stars; one submission).

Submission:

Labcorp Genetics (formerly Invitae), Labcorp
Classification: Pathogenic. Last evaluated: 2024-01-07. Review status: criteria provided, single submitter. Criteria: Invitae Variant Classification Sherloc (09022015). Collection method: clinical testing. Allele origin: germline.
Comment: This sequence change creates a premature translational stop signal (p.Leu188*) in the CYP19A1 gene. It is expected to result in an absent or disrupted protein product. Loss-of-function variants in CYP19A1 are known to be pathogenic (PMID: 14602738, 27086564, 27256151). This variant is not present in population databases (gnomAD no frequency). This variant has not been reported in the literature in individuals affected with CYP19A1-related conditions. For these reasons, this variant has been classified as Pathogenic.

Literature cited by the submitters: PubMed 14602738; PubMed 27086564; PubMed 27256151.

NM_000103.4(CYP19A1):c.563del (p.Val187_Leu188insTer)

Genes: CYP19A1 (cytochrome P450 family 19 subfamily A member 1; minus strand), MIR4713HG (MIR4713 host gene; plus strand), PIRC66 (piwi-interacting RNA cluster 66; plus strand). Cytogenetic location: 15q21.2.
Variant type: Deletion.
Coding change: c.563del on transcript NM_000103.4 (MANE Select); coding-DNA position 563, one base deleted (T; older notation c.563delT).
Protein change: p.Val187_Leu188insTer.
Molecular consequence: nonsense.
Genome position (GRCh38, 1-based): chr15:51,222,414, A deleted on the plus strand (T on the coding strand, the reverse complement: CYP19A1 is on the minus strand); the first of 2 consecutive A bases (chr15:51,222,414-51,222,415); deleting either gives the same sequence. VCF-style (leftmost placement, unchanged base first): chr15-51222413-CA-C. GRCh37 (hg19) VCF-style: chr15-51514610-CA-C.
Other names: c.563del, p.Val187_Leu188insTer (NM_001347248.1, NM_001347249.2, NM_001347250.2 and 7 more transcripts).
Identifiers: ClinVar variation 2706864 (VCV002706864.3), dbSNP rs2542423178, ClinGen allele CA2697549101.